The following is an entry in ClinVar:

NM_002880.4(RAF1):c.122G>A (p.Arg41Gln)

Gene: RAF1 (Raf-1 proto-oncogene, serine/threonine kinase; minus strand). Cytogenetic location: 3p25.2.
Variant type: single nucleotide variant.
Coding change: c.122G>A on transcript NM_002880.4 (MANE Select); coding-DNA position 122, G replaced by A.
Protein change: p.Arg41Gln; replaces arginine 41 with glutamine.
Molecular consequence: missense variant. On other transcripts: 5 prime UTR variant (4), non-coding transcript variant (3).
Genome position (GRCh38, 1-based): chr3:12,618,600, C>T on the plus strand (G>A on the coding strand, the complement: RAF1 is on the minus strand). VCF-style: chr3-12618600-C-T. GRCh37 (hg19) VCF-style: chr3-12660099-C-T.
Other names: p.R41Q:CGG>CAG; c.122G>A, p.Arg41Gln (NM_001354689.3, NM_001354690.3, NM_001354693.3); c.-9G>A (NM_001354691.3, NM_001354692.3, NM_001354694.3 and 1 more transcripts); short protein forms R41Q.
Identifiers: ClinVar variation 40586 (VCV000040586.48), dbSNP rs145611571, ClinGen allele CA134693.
Genomic context (GRCh38, chr3:12,618,600, plus strand): 5'-AAAACACGGATAGTGTTGCTTGTCTTAGAAGGATCTGTGAGTTTGCCATCATCTGATGCC[C>T]GGCGCTGATAGCCAAACTGCTGAACTATTGTAGGAGAGATGCAGCTGGAGCCATCAAACA-3'
Protein context (NP_002871.1, residues 31-51): TIVQQFGYQR[Arg41Gln]ASDDGKLTDP

ClinVar aggregate classification (germline): Conflicting classifications of pathogenicity. Review status: criteria provided, conflicting classifications (1 of 4 stars). 15 submissions from 14 submitters: Uncertain significance (3); Benign (3); Likely benign (7). 2 of the submissions do not count toward it. Last evaluated 2026-01-10.

Conditions:
RAF1-related disorder. Also called: RAF1-related disorders; RAF1-related condition.
Noonan syndrome and Noonan-related syndrome. Identifiers: Orphanet 98733, MedGen C5681679, MONDO:0020297.
Cardiovascular phenotype. Identifiers: MedGen CN230736.
RASopathy. Also called: Noonan spectrum disorder; rasopathies. Identifiers: Orphanet 536391, MedGen C5555857, MONDO:0021060.
Noonan syndrome (NS). Also called: Noonan's syndrome. Identifiers: Orphanet 648, MedGen C0028326, MeSH D009634, MONDO:0018997. Disease mechanism: gain of function.
Noonan syndrome 5 (NS5). Also called: RAF1-Related Noonan Syndrome. Identifiers: Orphanet 648, MedGen C1969057, MONDO:0012690, OMIM 611553. Disease mechanism: gain of function.
LEOPARD syndrome 2 (LPRD2). Also called: RAF1-Related LEOPARD Syndrome. Identifiers: Orphanet 500, MedGen C1969056, MONDO:0012691, OMIM 611554.

Allele frequency attached by ClinVar (database versions not stated): gnomAD 0.00016; ESP Exome Variant Server 0.00023; TOPMed 0.00024; 1000 Genomes Project 30x 0.00031; 1000 Genomes Project 0.00040.
gnomAD v4.1: 445 of 1,614,110 alleles (0.028%); highest among the groups gnomAD compares: Middle Eastern, 0.066%; no homozygotes.

Submissions (15):

Labcorp Genetics (formerly Invitae), Labcorp
Classification: Likely benign for RASopathy. Last evaluated: 2026-01-10. Review status: criteria provided, single submitter. Criteria: Invitae Variant Classification Sherloc (09022015). Collection method: clinical testing. Allele origin: germline.

Molecular Diagnostic Laboratory for Inherited Cardiovascular Disease, Montreal Heart Institute
Classification: Likely benign. Last evaluated: 2025-04-08. Review status: criteria provided, single submitter. Criteria: ACMG Guidelines, 2015. Collection method: clinical testing. Allele origin: germline. Affected: no.

Women's Health and Genetics/Laboratory Corporation of America, LabCorp
Classification: Likely benign. Last evaluated: 2024-12-09. Review status: criteria provided, single submitter. Criteria: LabCorp Variant Classification Summary - May 2015. Collection method: clinical testing. Allele origin: germline.
Comment: Variant summary: RAF1 c.122G>A (p.Arg41Gln) results in a conservative amino acid change in the encoded protein sequence. Three of five in-silico tools predict a benign effect of the variant on protein function. The variant allele was found at a frequency of 0.00028 in 252090 control chromosomes, predominantly at a frequency of 0.00046 within the Latino subpopulation in the gnomAD database. The observed variant frequency within Latino control individuals in the gnomAD database is approximately 18.4 fold of the estimated maximal expected allele frequency for a pathogenic variant in RAF1 causing Noonan Syndrome And Related Conditions phenotype (2.5e-05). c.122G>A has been reported in the literature in at least one individual with autism (Kelleher_2012). These report(s) do not provide unequivocal conclusions about association of the variant with Noonan Syndrome And Related Conditions. To our knowledge, no experimental evidence demonstrating an impact on protein function has been reported. The following publication has been ascertained in the context of this evaluation (PMID: 22558107). ClinVar contains an entry for this variant (Variation ID: 40586). Based on the evidence outlined above, the variant was classified as likely benign.

Blueprint Genetics
Classification: Likely benign. Last evaluated: 2024-10-18. Review status: criteria provided, single submitter. Criteria: ACMG Guidelines, 2015. Collection method: clinical testing. Allele origin: germline.

Mendelics
Classification: Benign for LEOPARD syndrome 2. Last evaluated: 2023-08-22. Review status: criteria provided, single submitter. Criteria: Mendelics Assertion Criteria 2019. Collection method: clinical testing. Allele origin: germline.

Ambry Genetics
Classification: Likely benign for Cardiovascular phenotype. Last evaluated: 2020-03-19. Review status: criteria provided, single submitter. Criteria: Ambry Variant Classification Scheme 2023. Collection method: clinical testing. Allele origin: germline.

Genome Diagnostics Laboratory, The Hospital for Sick Children
Classification: Likely benign for Noonan syndrome and Noonan-related syndrome. Last evaluated: 2019-12-01. Review status: criteria provided, single submitter. Criteria: ACMG Guidelines, 2015. Collection method: clinical testing. Allele origin: germline.

Laboratory for Molecular Medicine, Mass General Brigham Personalized Medicine
Classification: Likely benign. Last evaluated: 2018-10-10. Review status: criteria provided, single submitter. Criteria: LMM Criteria. Collection method: clinical testing. Allele origin: germline. Observed: 5 variant alleles.
Comment: The p.Arg41Gln variant in RAF1 has been identified by our laboratory in 2 indivi duals with clinical features of a RASopathy and segregated with disease in 1 aff ected relative; however, this variant has also been identified in 0.05% (17/3442 0) of Latino chromosomes and 0.03% (44/126734) of European chromosomes by gnomAD and, therefore, it is classified as likely b enign. ACMG/AMP Criteria applied: BS1.

Eurofins Ntd Llc (ga)
Classification: Uncertain significance. Last evaluated: 2018-06-25. Review status: criteria provided, single submitter. Criteria: EGL ClinVar v180209 classification definitions. Collection method: clinical testing. Allele origin: germline. Observed: 1 variant allele, 1 heterozygote.

ARUP Laboratories, Molecular Genetics and Genomics, ARUP Laboratories
Classification: Uncertain significance. Last evaluated: 2018-03-02. Review status: criteria provided, single submitter. Criteria: ARUP Molecular Germline Variant Investigation Process. Collection method: clinical testing. Allele origin: germline.
Comment: The RAF1 c.122G>A; p.Arg41Gln variant (rs145611571), to our knowledge, is not reported in the medical literature, gene specific variation databases, nor has it been previously identified by our laboratory. This variant is listed in the genome Aggregation Database (gnomAD) with an overall population frequency of 0.03% (identified on 75 out of 277,246 chromosomes) and is classified as a variant of unknown significance in ClinVar (ID: 279925). The arginine at position 41 is highly conserved, considering 12 species, and computational analyses of the effects of the p.Arg41Gln variant on protein structure and function make conflicting predictions (SIFT: tolerated, PolyPhen-2: possibly damaging). Based on the available information, the clinical significance of the p.Arg41Gln variant cannot be determined with certainty.

Illumina Laboratory Services, Illumina
Classification: Uncertain significance for Noonan syndrome 5. Last evaluated: 2018-01-13. Review status: criteria provided, single submitter. Criteria: ICSL Variant Classification Criteria 13 December 2019. Collection method: clinical testing. Allele origin: germline.

Illumina Laboratory Services, Illumina
Classification: Benign for LEOPARD syndrome 2. Last evaluated: 2018-01-13. Review status: criteria provided, single submitter. Criteria: ICSL Variant Classification Criteria 13 December 2019. Collection method: clinical testing. Allele origin: germline.
Comment: This variant was observed in the ICSL laboratory as part of a predisposition screen in an ostensibly healthy population. It had not been previously curated by ICSL or reported in the Human Gene Mutation Database (HGMD: prior to June 1st, 2018), and was therefore a candidate for classification through an automated scoring system. Utilizing variant allele frequency, disease prevalence and penetrance estimates, and inheritance mode, an automated score was calculated to assess if this variant is too frequent to cause the disease. Based on the score and internal cut-off values, a variant classified as benign is not then subjected to further curation. The score for this variant resulted in a classification of benign for this disease.

GeneDx
Classification: Benign. Last evaluated: 2016-02-29. Review status: criteria provided, single submitter. Criteria: GeneDx Variant Classification (06012015). Collection method: clinical testing. Allele origin: germline. Affected: yes.
Comment: This variant is considered likely benign or benign based on one or more of the following criteria: it is a conservative change, it occurs at a poorly conserved position in the protein, it is predicted to be benign by multiple in silico algorithms, and/or has population frequency not consistent with disease.

PreventionGenetics, part of Exact Sciences
Classification: Likely benign for RAF1-related condition. Last evaluated: 2020-07-17. Review status: no assertion criteria provided. Collection method: clinical testing. Allele origin: germline. Not counted in ClinVar's aggregate classification.
Comment: This variant is classified as likely benign based on ACMG/AMP sequence variant interpretation guidelines (Richards et al. 2015 PMID: 25741868, with internal and published modifications).

Service de Génétique Moléculaire, Hôpital Robert Debré
Classification: Uncertain significance for Noonan syndrome. Review status: no assertion criteria provided. Collection method: clinical testing. Allele origin: unknown. Affected: yes. Not counted in ClinVar's aggregate classification.

Literature cited by the submitters: PubMed 22558107 (cited by Women's Health and Genetics/Laboratory Corporation of America, LabCorp and Ambry Genetics).